The following is an entry in ClinVar:

ClinVar aggregate classification (germline): Uncertain significance (1 of 4 stars; one submission).

Conditions:
Inborn genetic diseases. Identifiers: MedGen C0950123, MeSH D030342.

gnomAD v4.1: 1 of 1,613,888 alleles (0.000062%); highest among the groups gnomAD compares: South Asian, 0.0011%; no homozygotes.

Submission:

Ambry Genetics
Classification: Uncertain significance for Inborn genetic diseases. Last evaluated: 2022-04-23. Review status: criteria provided, single submitter. Criteria: Ambry Variant Classification Scheme 2023. Collection method: clinical testing. Allele origin: germline.
Comment: The p.P382S variant (also known as c.1144C>T), located in coding exon 4 of the PRX gene, results from a C to T substitution at nucleotide position 1144. The proline at codon 382 is replaced by serine, an amino acid with similar properties. This amino acid position is conserved. In addition, this alteration is predicted to be tolerated by in silico analysis. Since supporting evidence is limited at this time, the clinical significance of this alteration remains unclear.

NM_181882.3(PRX):c.1144C>T (p.Pro382Ser)

Gene: PRX (periaxin; minus strand). Cytogenetic location: 19q13.2.
Variant type: single nucleotide variant.
Coding change: c.1144C>T on transcript NM_181882.3 (MANE Select); coding-DNA position 1144, C replaced by T.
Protein change: p.Pro382Ser; replaces proline 382 with serine.
Molecular consequence: missense variant. On other transcripts: 3 prime UTR variant (1).
Genome position (GRCh38, 1-based): chr19:40,397,208, G>A on the plus strand (C>T on the coding strand, the complement: PRX is on the minus strand). VCF-style: chr19-40397208-G-A. GRCh37 (hg19) VCF-style: chr19-40903115-G-A.
Other names: c.1429C>T, p.Pro477Ser (NM_001411127.1); c.*1349C>T (NM_020956.2); short protein forms P382S, P477S.
Identifiers: ClinVar variation 1732102 (VCV001732102.2), dbSNP rs759440986, ClinGen allele CA405898990.
Genomic context (GRCh38, chr19:40,397,208, plus strand): 5'-CCAAGAGGGAAAGCCCAAAGGTGGGCATTCGAAGTCTGGGACCTTTCACCCTGGCCTCAG[G>A]GCTGACCTTGGCTACCTTGGCCTCAGCAACTTCCTTTGCTCGAGCCCCAAATCGGGGAAA-3'
Protein context (NP_870998.2, residues 372-392): VAEAKVAKVS[Pro382Ser]EARVKGPRLR